The following is an entry in ClinVar:

NM_006767.4(LZTR1):c.1600A>T (p.Lys534Ter)

Gene: LZTR1 (leucine zipper like post translational regulator 1; plus strand). Cytogenetic location: 22q11.21.
Variant type: single nucleotide variant.
Coding change: c.1600A>T on transcript NM_006767.4 (MANE Select); coding-DNA position 1600, A replaced by T.
Protein change: p.Lys534Ter; replaces lysine 534 with a stop codon.
Molecular consequence: nonsense.
Genome position (GRCh38, 1-based): chr22:20,994,254, A>T. VCF-style: chr22-20994254-A-T. GRCh37 (hg19) VCF-style: chr22-21348543-A-T.
Other names: short protein forms K534*.
Identifiers: ClinVar variation 2631069 (VCV002631069.1), dbSNP rs2518621109, ClinGen allele CA410776203.

ClinVar aggregate classification (germline): Likely pathogenic (1 of 4 stars; one submission).

Conditions:
LZTR1-related disorder. Also called: LZTR1-related disorders; LZTR1-related condition.

Allele frequency attached by ClinVar (database versions not stated): gnomAD exomes below 0.00001.
gnomAD v4.1: 1 of 1,598,666 alleles (0.000063%); highest among the groups gnomAD compares: Non-Finnish European, 0.000085%; no homozygotes.

Submission:

PreventionGenetics, part of Exact Sciences
Classification: Likely pathogenic for LZTR1-related condition. Last evaluated: 2023-08-28. Review status: criteria provided, single submitter. Criteria: ACMG Guidelines, 2015. Collection method: clinical testing. Allele origin: germline.
Comment: The LZTR1 c.1600A>T variant is predicted to result in premature protein termination (p.Lys534*). To our knowledge, this variant has not been reported in the literature or in a large population database, indicating this variant is rare. Nonsense variants in LZTR1 are expected to be pathogenic for autosomal recessive Noonan syndrome and autosomal dominant susceptibility to schwannomatosis. However, the role of nonsense variants in autosomal dominant Noonan syndrome is currently uncertain. This variant is interpreted as likely pathogenic.